The following is an entry in ClinVar:

NM_198859.4(PRICKLE2):c.1861C>T (p.Leu621Phe)

Genes: PRICKLE2 (prickle planar cell polarity protein 2; minus strand), PRICKLE2-AS1 (PRICKLE2 antisense RNA 1; plus strand). Cytogenetic location: 3p14.1.
Variant type: single nucleotide variant.
Coding change: c.1861C>T on transcript NM_198859.4 (MANE Select); coding-DNA position 1861, C replaced by T.
Protein change: p.Leu621Phe; replaces leucine 621 with phenylalanine.
Molecular consequence: missense variant. On other transcripts: non-coding transcript variant (1).
Genome position (GRCh38, 1-based): chr3:64,099,725, G>A on the plus strand (C>T on the coding strand, the complement: PRICKLE2 is on the minus strand). VCF-style: chr3-64099725-G-A. GRCh37 (hg19) VCF-style: chr3-64085401-G-A.
Other names: c.1861C>T, p.Leu621Phe (NM_001370528.1); short protein forms L621F.
Identifiers: ClinVar variation 862865 (VCV000862865.7), dbSNP rs759047402, ClinGen allele CA2479535.

ClinVar aggregate classification (germline): Uncertain significance (1 of 4 stars; one submission).

Conditions:
Progressive myoclonic epilepsy type 5. Identifiers: Orphanet 402082, MedGen C5190799.

Allele frequency attached by ClinVar (database versions not stated): gnomAD 0.00001; gnomAD exomes 0.00001 and 0.00002; TOPMed 0.00001; ExAC 0.00002.
gnomAD v4.1: 9 of 1,614,216 alleles (0.00056%); highest among the groups gnomAD compares: Admixed American, 0.012%; no homozygotes.

Submission:

Labcorp Genetics (formerly Invitae), Labcorp
Classification: Uncertain significance for Progressive myoclonic epilepsy type 5. Last evaluated: 2021-05-16. Review status: criteria provided, single submitter. Criteria: Invitae Variant Classification Sherloc (09022015). Collection method: clinical testing. Allele origin: germline.
Comment: This sequence change replaces leucine with phenylalanine at codon 621 of the PRICKLE2 protein (p.Leu621Phe). The leucine residue is highly conserved and there is a small physicochemical difference between leucine and phenylalanine. This variant is present in population databases (rs759047402, ExAC 0.02%). This variant has not been reported in the literature in individuals with PRICKLE2-related conditions. Algorithms developed to predict the effect of missense changes on protein structure and function are either unavailable or do not agree on the potential impact of this missense change (SIFT: "Tolerated"; PolyPhen-2: "Benign"; Align-GVGD: "Class C0"). In summary, the available evidence is currently insufficient to determine the role of this variant in disease. Therefore, it has been classified as a Variant of Uncertain Significance.